The following is an entry in ClinVar:

ClinVar aggregate classification (germline): Uncertain significance (1 of 4 stars; one submission).

Conditions:
Charcot-Marie-Tooth disease type 4. Also called: Charcot-Marie-Tooth disease, type IV; Charcot-Marie-Tooth, Type 4. Identifiers: Orphanet 64749, MedGen C4082197, MONDO:0018995.

Submission:

Labcorp Genetics (formerly Invitae), Labcorp
Classification: Uncertain significance for Charcot-Marie-Tooth disease type 4. Last evaluated: 2022-01-15. Review status: criteria provided, single submitter. Criteria: Invitae Variant Classification Sherloc (09022015). Collection method: clinical testing. Allele origin: germline.
Comment: In summary, the available evidence is currently insufficient to determine the role of this variant in disease. Therefore, it has been classified as a Variant of Uncertain Significance. Algorithms developed to predict the effect of missense changes on protein structure and function are either unavailable or do not agree on the potential impact of this missense change (SIFT: "Tolerated"; PolyPhen-2: "Possibly Damaging"; Align-GVGD: "Class C0"). This variant has not been reported in the literature in individuals affected with SBF2-related conditions. This variant is not present in population databases (gnomAD no frequency). This sequence change replaces arginine, which is basic and polar, with lysine, which is basic and polar, at codon 239 of the SBF2 protein (p.Arg239Lys).

NM_030962.4(SBF2):c.716G>A (p.Arg239Lys)

Gene: SBF2 (SET binding factor 2; minus strand). Cytogenetic location: 11p15.4.
Variant type: single nucleotide variant.
Coding change: c.716G>A on transcript NM_030962.4 (MANE Select); coding-DNA position 716, G replaced by A.
Protein change: p.Arg239Lys; replaces arginine 239 with lysine.
Molecular consequence: missense variant.
Genome position (GRCh38, 1-based): chr11:10,002,593, C>T on the plus strand (G>A on the coding strand, the complement: SBF2 is on the minus strand). VCF-style: chr11-10002593-C-T. GRCh37 (hg19) VCF-style: chr11-10024140-C-T.
Other names: c.716G>A, p.Arg239Lys (NM_001386339.1, NM_001386342.1); short protein forms R239K.
Identifiers: ClinVar variation 2084252 (VCV002084252.4), dbSNP rs2496189719, ClinGen allele CA379643443.